The following is an entry in ClinVar:

ClinVar aggregate classification (germline): Uncertain significance. Review status: criteria provided, multiple submitters, no conflicts (2 of 4 stars). 5 submissions from 5 submitters: Uncertain significance (5). Last evaluated 2025-08-21.

Conditions:
Familial thoracic aortic aneurysm and aortic dissection (TAAD). Also called: Thoracic aortic aneurysms and dissections. Identifiers: Orphanet 91387, MedGen C4707243, MONDO:0019625.
Geleophysic dysplasia 2 (GPHYSD2). Identifiers: Orphanet 2623, MedGen C3280054, MONDO:0013612, OMIM 614185.
Ectopia lentis 1, isolated, autosomal dominant (ECTOL1). Identifiers: Orphanet 1885, MedGen C3541518, MONDO:0007514, OMIM 129600.
MASS syndrome (OCTD). Also called: OVERLAP CONNECTIVE TISSUE DISEASE; MASS PHENOTYPE. Identifiers: MedGen C1858556, MONDO:0011431, OMIM 604308.
Weill-Marchesani syndrome 2, dominant. Also called: FBN1-Related Weill-Marchesani Syndrome; Weill-Marchesani Syndrome, Autosomal Dominant. Identifiers: Orphanet 2084, MedGen C1869115, MONDO:0012013, OMIM 608328.
Acromicric dysplasia (ACMICD). Also called: Acromicric skeletal dysplasia. Identifiers: Orphanet 969, MedGen C0265287, MONDO:0007055, OMIM 102370.
Marfan syndrome (MFS). Also called: FBN1-Related Marfan Syndrome; Marfan's syndrome; MARFAN SYNDROME, TYPE I; Marfan syndrome type 1; Marfan syndrome, classic. Identifiers: Orphanet 284963, Orphanet 558, MedGen C0024796, MONDO:0007947, OMIM 154700.
Stiff skin syndrome (SSKS). Identifiers: Orphanet 2833, MedGen C1861456, MONDO:0008492, OMIM 184900.
Progeroid and marfanoid aspect-lipodystrophy syndrome. Also called: MARFANOID-PROGEROID-LIPODYSTROPHY SYNDROME; Marfan lipodystrophy syndrome; MARFANOID-PROGEROID SYNDROME; MARFAN-PROGEROID-LIPODYSTROPHY SYNDROME. Identifiers: Orphanet 300382, MedGen C4310796, MONDO:0014831, OMIM 616914.

Allele frequency attached by ClinVar (database versions not stated): gnomAD exomes below 0.00001.
gnomAD v4.1: 1 of 1,612,442 alleles (0.000062%); highest among the groups gnomAD compares: Non-Finnish European, 0.000085%; no homozygotes.

Submissions (5):

Labcorp Genetics (formerly Invitae), Labcorp
Classification: Uncertain significance for Marfan syndrome; Familial thoracic aortic aneurysm and aortic dissection. Last evaluated: 2025-08-21. Review status: criteria provided, single submitter. Criteria: Invitae Variant Classification Sherloc (09022015). Collection method: clinical testing. Allele origin: germline.
Comment: This sequence change replaces glutamic acid, which is acidic and polar, with alanine, which is neutral and non-polar, at codon 2566 of the FBN1 protein (p.Glu2566Ala). This variant is not present in population databases (gnomAD no frequency). This variant has not been reported in the literature in individuals affected with FBN1-related conditions. ClinVar contains an entry for this variant (Variation ID: 858956). An algorithm developed to predict the effect of missense changes on protein structure and function (PolyPhen-2) suggests that this variant is likely to be tolerated. In summary, the available evidence is currently insufficient to determine the role of this variant in disease. Therefore, it has been classified as a Variant of Uncertain Significance.

Ambry Genetics
Classification: Uncertain significance for Familial thoracic aortic aneurysm and aortic dissection. Last evaluated: 2025-07-31. Review status: criteria provided, single submitter. Criteria: Ambry Variant Classification Scheme 2023. Collection method: clinical testing. Allele origin: germline.
Comment: The p.E2566A variant (also known as c.7697A>C), located in coding exon 61 of the FBN1 gene, results from an A to C substitution at nucleotide position 7697. The glutamic acid at codon 2566 is replaced by alanine, an amino acid with dissimilar properties. This amino acid position is highly conserved in available vertebrate species. In addition, this alteration is predicted to be deleterious by in silico analysis. Based on the available evidence, the clinical significance of this variant remains unclear.

Color Diagnostics, LLC DBA Color Health
Classification: Uncertain significance for Familial thoracic aortic aneurysm and aortic dissection. Last evaluated: 2025-07-03. Review status: criteria provided, single submitter. Criteria: ACMG Guidelines, 2015. Collection method: clinical testing. Allele origin: germline.
Comment: This missense variant replaces glutamic acid with alanine at codon 2566 of the FBN1 protein. Computational prediction is inconclusive regarding the impact of this variant on protein structure and function. To our knowledge, functional studies have not been reported for this variant. This variant has not been reported in individuals affected with FBN1-related disorders in the literature. This variant has not been identified in the general population by the Genome Aggregation Database (gnomAD). The available evidence is insufficient to determine the role of this variant in disease conclusively. Therefore, this variant is classified as a Variant of Uncertain Significance.

Institute of Human Genetics, University of Goettingen
Classification: Uncertain significance for Marfan syndrome. Last evaluated: 2022-10-04. Review status: criteria provided, single submitter. Criteria: ACMG Guidelines, 2015. Collection method: clinical testing. Allele origin: germline. Inheritance: Autosomal dominant inheritance. Affected: yes.

Fulgent Genetics
Classification: Uncertain significance for Acromicric dysplasia; Ectopia lentis 1, isolated, autosomal dominant; Marfan syndrome; Stiff skin syndrome; MASS syndrome; Weill-Marchesani syndrome 2, dominant; Geleophysic dysplasia 2; Progeroid and marfanoid aspect-lipodystrophy syndrome. Last evaluated: 2021-07-09. Review status: criteria provided, single submitter. Criteria: ACMG Guidelines, 2015. Collection method: clinical testing. Allele origin: unknown.

Literature cited by the submitters: PubMed 370588 (cited by Institute of Human Genetics, University of Goettingen).

NM_000138.5(FBN1):c.7697A>C (p.Glu2566Ala)

Gene: FBN1 (fibrillin 1; minus strand). Cytogenetic location: 15q21.1.
Variant type: single nucleotide variant.
Coding change: c.7697A>C on transcript NM_000138.5 (MANE Select); coding-DNA position 7697, A replaced by C.
Protein change: p.Glu2566Ala; replaces glutamic acid 2566 with alanine.
Molecular consequence: missense variant.
Genome position (GRCh38, 1-based): chr15:48,421,560, T>G on the plus strand (A>C on the coding strand, the complement: FBN1 is on the minus strand). VCF-style: chr15-48421560-T-G. GRCh37 (hg19) VCF-style: chr15-48713757-T-G.
Other names: short protein forms E2566A.
Identifiers: ClinVar variation 858956 (VCV000858956.13), dbSNP rs2042941498, ClinGen allele CA392324918.